The following is an entry in ClinVar:

NM_152564.5(VPS13B):c.1150A>T (p.Lys384Ter)

Gene: VPS13B (vacuolar protein sorting 13 homolog B; plus strand). Cytogenetic location: 8q22.2.
Variant type: single nucleotide variant.
Coding change: c.1150A>T on transcript NM_152564.5 (MANE Select); coding-DNA position 1150, A replaced by T.
Protein change: p.Lys384Ter; replaces lysine 384 with a stop codon.
Molecular consequence: nonsense. On other transcripts: non-coding transcript variant (1).
Genome position (GRCh38, 1-based): chr8:99,121,389, A>T. VCF-style: chr8-99121389-A-T. GRCh37 (hg19) VCF-style: chr8-100133617-A-T.
Other names: c.1150A>T, p.Lys384Ter (NM_015243.3, NM_017890.5, NM_181661.3); short protein forms K384*.
Identifiers: ClinVar variation 552240 (VCV000552240.8), dbSNP rs1554625838, ClinGen allele CA371861232.

ClinVar aggregate classification (germline): Pathogenic. Review status: criteria provided, single submitter (1 of 4 stars). 2 submissions from 2 submitters: Pathogenic (1). 1 of the submissions does not count toward it. Last evaluated 2021-11-05.

Conditions:
Cohen syndrome (COH1). Also called: Cutis verticis gyrata, retinitis pigmentosa, and sensorineural deafness; PEPPER SYNDROME. Identifiers: Orphanet 193, MedGen C0265223, MONDO:0008999, OMIM 216550.

Submissions (2):

Labcorp Genetics (formerly Invitae), Labcorp
Classification: Pathogenic for Cohen syndrome. Last evaluated: 2021-11-05. Review status: criteria provided, single submitter. Criteria: Invitae Variant Classification Sherloc (09022015). Collection method: clinical testing. Allele origin: germline.
Comment: This sequence change creates a premature translational stop signal (p.Lys384*) in the VPS13B gene. It is expected to result in an absent or disrupted protein product. Loss-of-function variants in VPS13B are known to be pathogenic (PMID: 15141358, 16648375, 20461111). This variant is not present in population databases (gnomAD no frequency). For these reasons, this variant has been classified as Pathogenic. ClinVar contains an entry for this variant (Variation ID: 552240). This variant has not been reported in the literature in individuals affected with VPS13B-related conditions.

Counsyl
Classification: Likely pathogenic for Cohen syndrome. Last evaluated: 2017-05-31. Review status: no assertion criteria provided. Collection method: clinical testing. Allele origin: unknown. Not counted in ClinVar's aggregate classification.

Literature cited by the submitters: PubMed 15141358 (cited by Labcorp Genetics (formerly Invitae), Labcorp); PubMed 16648375 (cited by Labcorp Genetics (formerly Invitae), Labcorp); PubMed 20461111 (cited by Labcorp Genetics (formerly Invitae), Labcorp).